The following is an entry in ClinVar:

NM_015359.6(SLC39A14):c.520dup (p.Val174fs)

Gene: SLC39A14 (solute carrier family 39 member 14; plus strand). Cytogenetic location: 8p21.3.
Variant type: Duplication.
Coding change: c.520dup on transcript NM_015359.6 (MANE Plus Clinical); coding-DNA position 520, one base duplicated (G; older notation c.520dupG).
Protein change: p.Val174fs; shifts the reading frame from valine 174.
Molecular consequence: frameshift variant. On other transcripts: intron variant (9).
Genome position (GRCh38, 1-based): chr8:22,410,008, G duplicated. VCF-style (leftmost placement, unchanged base first): chr8-22410007-C-CG. GRCh37 (hg19) VCF-style: chr8-22267520-C-CG.
Other names: c.457+1512dup (NM_001135154.3, NM_001351656.2, NM_001351655.2 and 3 more transcripts); c.487+1512dup (NM_001351657.2, NM_001351658.2, NM_001351659.2); short protein forms V174fs.
Identifiers: ClinVar variation 3775321 (VCV003775321.1).

ClinVar aggregate classification (germline): Pathogenic (1 of 4 stars; one submission).

Conditions:
Hypermanganesemia with dystonia 2 (HMNDYT2). Also called: SLC39A14 Deficiency. Identifiers: Orphanet 521406, MedGen C4310765, MONDO:0014864, OMIM 617013.

Submission:

3billion
Classification: Pathogenic for Hypermanganesemia with dystonia 2. Last evaluated: 2023-08-11. Review status: criteria provided, single submitter. Criteria: ACMG Guidelines, 2015. Collection method: clinical testing. Allele origin: germline. Affected: yes.
Comment: The variant is not observed in the gnomAD v2.1.1 dataset. Predicted Consequence/Location: Frameshift: predicted to result in a loss or disruption of normal protein function through nonsense-mediated decay (NMD) or protein truncation. Multiple pathogenic variants are reported downstream of the variant. Therefore, this variant is classified as Pathogenic according to the recommendation of ACMG/AMP guideline.